The following is an entry in ClinVar:

ClinVar aggregate classification (germline): Uncertain significance. Review status: criteria provided, multiple submitters, no conflicts (2 of 4 stars). 2 submissions from 2 submitters: Uncertain significance (2). Last evaluated 2026-08-11.

Conditions:
RIT1-related disorder. Also called: RIT1-related condition.
Noonan syndrome 8 (NS8). Identifiers: Orphanet 648, MedGen C3809233, MONDO:0014143, OMIM 615355.

Submissions (2):

PreventionGenetics, part of Exact Sciences
Classification: Uncertain significance for RIT1-related condition. Last evaluated: 2026-08-11. Review status: criteria provided, single submitter. Criteria: ACMG Guidelines, 2015. Collection method: clinical testing. Allele origin: germline.
Comment: The RIT1 c.58T>G variant is predicted to result in the amino acid substitution p.Ser20Ala. To our knowledge, this variant has not been reported in the literature or in a large population database (gnomAD), indicating this variant is rare. At this time, the clinical significance of this variant is uncertain due to the absence of conclusive functional and genetic evidence.

Labcorp Genetics (formerly Invitae), Labcorp
Classification: Uncertain significance for Noonan syndrome 8. Last evaluated: 2021-07-21. Review status: criteria provided, single submitter. Criteria: Invitae Variant Classification Sherloc (09022015). Collection method: clinical testing. Allele origin: germline.
Comment: In summary, the available evidence is currently insufficient to determine the role of this variant in disease. Therefore, it has been classified as a Variant of Uncertain Significance. Advanced modeling of protein sequence and biophysical properties (such as structural, functional, and spatial information, amino acid conservation, physicochemical variation, residue mobility, and thermodynamic stability) performed at Invitae indicates that this missense variant is not expected to disrupt RIT1 protein function. This variant has not been reported in the literature in individuals affected with RIT1-related conditions. This variant is not present in population databases (ExAC no frequency). This sequence change replaces serine with alanine at codon 3 of the RIT1 protein (p.Ser3Ala). The serine residue is moderately conserved and there is a moderate physicochemical difference between serine and alanine.

NM_006912.6(RIT1):c.7T>G (p.Ser3Ala)

Gene: RIT1 (Ras like without CAAX 1; minus strand). Cytogenetic location: 1q22.
Variant type: single nucleotide variant.
Coding change: c.7T>G on transcript NM_006912.6 (MANE Select); coding-DNA position 7, T replaced by G.
Protein change: p.Ser3Ala; replaces serine 3 with alanine.
Molecular consequence: missense variant. On other transcripts: intron variant (1).
Genome position (GRCh38, 1-based): chr1:155,910,755, A>C on the plus strand (T>G on the coding strand, the complement: RIT1 is on the minus strand). VCF-style: chr1-155910755-A-C. GRCh37 (hg19) VCF-style: chr1-155880546-A-C.
Other names: c.58T>G (NM_001256821.1); c.58T>G, p.Ser20Ala (NM_001256821.2); c.-2-249T>G (NM_001256820.2); short protein forms S3A, S20A.
Identifiers: ClinVar variation 1522388 (VCV001522388.9), dbSNP rs2102591265, ClinGen allele CA342776577.
Genomic context (GRCh38, chr1:155,910,755, plus strand): 5'-TGTACTCCCGTGAGAGCCCAGCGGGGCTGCTACAGCAGCTACCAACTGGGCGAGTTCCAG[A>C]ATCCATTGTCCTCTTGGGGCCTTCCTCGGTTGCCCCGAGGAAAAGCCACCTAGAAAAGGA-3'
Protein context (NP_008843.1, residues 1-13): MD[Ser3Ala]GTRPVGSCCS